The following is an entry in ClinVar:

NM_000368.5(TSC1):c.1609C>A (p.His537Asn)

Gene: TSC1 (TSC complex subunit 1; minus strand). Cytogenetic location: 9q34.13.
Variant type: single nucleotide variant.
Coding change: c.1609C>A on transcript NM_000368.5 (MANE Select); coding-DNA position 1609, C replaced by A.
Protein change: p.His537Asn; replaces histidine 537 with asparagine.
Molecular consequence: missense variant. On other transcripts: non-coding transcript variant (5).
Genome position (GRCh38, 1-based): chr9:132,905,969, G>T on the plus strand (C>A on the coding strand, the complement: TSC1 is on the minus strand). VCF-style: chr9-132905969-G-T. GRCh37 (hg19) VCF-style: chr9-135781356-G-T.
Other names: c.1609C>A, p.His537Asn (NM_001406593.1, NM_001406594.1, NM_001406595.1 and 7 more transcripts); c.1606C>A, p.His536Asn (NM_001406597.1, NM_001406598.1, NM_001406599.1 and 6 more transcripts); c.1456C>A, p.His486Asn (NM_001406610.1, NM_001162427.2); c.1453C>A, p.His485Asn (NM_001406611.1, NM_001406612.1, NM_001406613.1); c.1243C>A, p.His415Asn (NM_001406621.1, NM_001406622.1, NM_001406623.1 and 2 more transcripts); c.1246C>A, p.His416Asn (NM_001406624.1, NM_001362177.2, NM_001406614.1 and 5 more transcripts); c.658C>A, p.His220Asn (NM_001406626.1); c.655C>A, p.His219Asn (NM_001406627.1, NM_001406628.1); and 1 more; short protein forms H186N, H219N, H220N, H415N, H416N, H485N, H486N, H536N.
Identifiers: ClinVar variation 4757939 (VCV004757939.1).

ClinVar aggregate classification (germline): Uncertain significance (1 of 4 stars; one submission).

Conditions:
Tuberous sclerosis syndrome (TSC). Also called: Tuberous Sclerosis Complex; Tuberous sclerosis. Identifiers: Orphanet 805, MedGen C0041341, MONDO:0001734.

Submission:

Color Diagnostics, LLC DBA Color Health
Classification: Uncertain significance for Tuberous sclerosis syndrome. Last evaluated: 2025-08-25. Review status: criteria provided, single submitter. Criteria: ACMG Guidelines, 2015. Collection method: clinical testing. Allele origin: germline.
Comment: This missense variant replaces histidine with asparagine at codon 537 of the TSC1 protein. Computational prediction suggests that this variant may not impact protein structure and function. To our knowledge, functional studies have not been reported for this variant. This variant has not been reported in individuals affected with TSC1-related disorders in the literature. This variant has not been identified in the general population by the Genome Aggregation Database (gnomAD). The available evidence is insufficient to determine the role of this variant in disease conclusively. Therefore, this variant is classified as a Variant of Uncertain Significance.